The following is an entry in ClinVar:

NM_173477.5(USH1G):c.1340G>A (p.Arg447Gln)

Gene: USH1G (USH1 protein network component sans; minus strand). Cytogenetic location: 17q25.1.
Variant type: single nucleotide variant.
Coding change: c.1340G>A on transcript NM_173477.5 (MANE Select); coding-DNA position 1340, G replaced by A.
Protein change: p.Arg447Gln; replaces arginine 447 with glutamine.
Molecular consequence: missense variant.
Genome position (GRCh38, 1-based): chr17:74,919,496, C>T on the plus strand (G>A on the coding strand, the complement: USH1G is on the minus strand). VCF-style: chr17-74919496-C-T. GRCh37 (hg19) VCF-style: chr17-72915591-C-T.
Other names: c.1031G>A, p.Arg344Gln (NM_001282489.3); short protein forms R447Q, R344Q.
Identifiers: ClinVar variation 594592 (VCV000594592.19), dbSNP rs201359669, ClinGen allele CA8753882.

ClinVar aggregate classification (germline): Conflicting classifications of pathogenicity. Review status: criteria provided, conflicting classifications (1 of 4 stars). 5 submissions from 5 submitters: Uncertain significance (1); Benign (1); Likely benign (2). 1 of the submissions does not count toward it. Last evaluated 2026-02-01.

Conditions:
USH1G-related disorder. Also called: USH1G-related disorders; USH1G-related condition.

Allele frequency attached by ClinVar (database versions not stated): ExAC 0.00012; gnomAD exomes 0.00014; 1000 Genomes Project 30x 0.00016; 1000 Genomes Project 0.00020; ESP Exome Variant Server 0.00047; gnomAD 0.00057 and 0.00058; TOPMed 0.00066.
gnomAD v4.1: 165 of 1,609,524 alleles (0.01%); highest among the groups gnomAD compares: African/African-American, 0.17%; no homozygotes.

Submissions (5):

Labcorp Genetics (formerly Invitae), Labcorp
Classification: Likely benign. Last evaluated: 2026-02-01. Review status: criteria provided, single submitter. Criteria: Invitae Variant Classification Sherloc (09022015). Collection method: clinical testing. Allele origin: germline.

Blueprint Genetics
Classification: Benign. Last evaluated: 2024-11-25. Review status: criteria provided, single submitter. Criteria: ACMG Guidelines, 2015. Collection method: clinical testing. Allele origin: germline.

GeneDx
Classification: Likely benign. Last evaluated: 2020-03-11. Review status: criteria provided, single submitter. Criteria: GeneDx Variant Classification Process June 2021. Collection method: clinical testing. Allele origin: germline. Affected: yes.

Eurofins Ntd Llc (ga)
Classification: Uncertain significance. Last evaluated: 2017-11-02. Review status: criteria provided, single submitter. Criteria: EGL Classification Definitions 2015. Collection method: clinical testing. Allele origin: germline. Observed: 1 variant allele, 1 heterozygote.

PreventionGenetics, part of Exact Sciences
Classification: Likely benign for USH1G-related condition. Last evaluated: 2023-08-04. Review status: no assertion criteria provided. Collection method: clinical testing. Allele origin: germline. Not counted in ClinVar's aggregate classification.
Comment: This variant is classified as likely benign based on ACMG/AMP sequence variant interpretation guidelines (Richards et al. 2015 PMID: 25741868, with internal and published modifications).